The following is an entry in ClinVar:

ClinVar aggregate classification (germline): Likely pathogenic. Review status: criteria provided, multiple submitters, no conflicts (2 of 4 stars). 2 submissions from 2 submitters: Likely pathogenic (2). Last evaluated 2024-01-11.

Conditions:
Deficiency of steroid 17-alpha-monooxygenase. Also called: 17-ALPHA-HYDROXYLASE DEFICIENCY; Congenital adrenal hyperplasia due to 17-alpha-hydroxylase deficiency; Congenital adrenal hyperplasia type 5; ADRENAL HYPERPLASIA V; 17-alpha-hydroxylase/17,20-lyase deficiency. Identifiers: Orphanet 90793, MedGen C0268285, MONDO:0008730, OMIM 202110.

Allele frequency attached by ClinVar (database versions not stated): gnomAD exomes below 0.00001.
gnomAD v4.1: 1 of 1,611,412 alleles (0.000062%); highest among the groups gnomAD compares: South Asian, 0.0011%; no homozygotes.

Submissions (2):

Labcorp Genetics (formerly Invitae), Labcorp
Classification: Likely pathogenic. Last evaluated: 2024-01-11. Review status: criteria provided, single submitter. Criteria: Invitae Variant Classification Sherloc (09022015). Collection method: clinical testing. Allele origin: germline.
Comment: This sequence change affects an acceptor splice site in intron 1 of the CYP17A1 gene. It is expected to disrupt RNA splicing. Variants that disrupt the donor or acceptor splice site typically lead to a loss of protein function (PMID: 16199547), and loss-of-function variants in CYP17A1 are known to be pathogenic (PMID: 10720067, 14747197, 17192295, 20197673, 24140098). This variant is present in population databases (no rsID available, gnomAD 0.003%). This variant has not been reported in the literature in individuals affected with CYP17A1-related conditions. Algorithms developed to predict the effect of sequence changes on RNA splicing suggest that this variant may disrupt the consensus splice site. In summary, the currently available evidence indicates that the variant is pathogenic, but additional data are needed to prove that conclusively. Therefore, this variant has been classified as Likely Pathogenic.

Baylor Genetics
Classification: Likely pathogenic for Deficiency of steroid 17-alpha-monooxygenase. Last evaluated: 2023-11-25. Review status: criteria provided, single submitter. Criteria: ACMG Guidelines, 2015. Collection method: clinical testing. Allele origin: unknown.

Literature cited by the submitters: PubMed 16199547 (cited by Labcorp Genetics (formerly Invitae), Labcorp); PubMed 10720067 (cited by Labcorp Genetics (formerly Invitae), Labcorp); PubMed 14747197 (cited by Labcorp Genetics (formerly Invitae), Labcorp); PubMed 17192295 (cited by Labcorp Genetics (formerly Invitae), Labcorp); PubMed 20197673 (cited by Labcorp Genetics (formerly Invitae), Labcorp); PubMed 24140098 (cited by Labcorp Genetics (formerly Invitae), Labcorp).

NM_000102.4(CYP17A1):c.298-2A>G

Gene: CYP17A1 (cytochrome P450 family 17 subfamily A member 1; minus strand). Cytogenetic location: 10q24.32.
Variant type: single nucleotide variant.
Coding change: c.298-2A>G on transcript NM_000102.4 (MANE Select); the canonical splice acceptor site of the intron before coding-DNA position 298, A replaced by G.
Molecular consequence: splice acceptor variant.
Genome position (GRCh38, 1-based): chr10:102,835,394, T>C on the plus strand (A>G on the coding strand, the complement: CYP17A1 is on the minus strand). VCF-style: chr10-102835394-T-C. GRCh37 (hg19) VCF-style: chr10-104595151-T-C.
Identifiers: ClinVar variation 2783459 (VCV002783459.4), dbSNP rs1366534270, ClinGen allele CA377940546.